The following is an entry in ClinVar:

ClinVar aggregate classification (germline): Uncertain significance (1 of 4 stars; one submission).

Conditions:
MAGEL2-related disorder. Also called: MAGEL2-related condition.

gnomAD v4.1: 1 of 1,443,344 alleles (0.000069%); highest among the groups gnomAD compares: Non-Finnish European, 0.00009%; no homozygotes.

Submission:

PreventionGenetics, part of Exact Sciences
Classification: Uncertain significance for MAGEL2-related condition. Last evaluated: 2026-04-29. Review status: criteria provided, single submitter. Criteria: ACMG Guidelines, 2015. Collection method: clinical testing. Allele origin: germline.
Comment: The MAGEL2 c.1264C>G variant is predicted to result in the amino acid substitution p.Pro422Ala. To our knowledge, this variant has not been reported in the literature or in a large population database (gnomAD), indicating this variant is rare. At this time, the clinical significance of this variant is uncertain due to the absence of conclusive functional and genetic evidence.

NM_019066.5(MAGEL2):c.1264C>G (p.Pro422Ala)

Gene: MAGEL2 (MAGE family member L2; minus strand). Cytogenetic location: 15q11.2.
Variant type: single nucleotide variant.
Coding change: c.1264C>G on transcript NM_019066.5 (MANE Select); coding-DNA position 1264, C replaced by G.
Protein change: p.Pro422Ala; replaces proline 422 with alanine.
Molecular consequence: missense variant.
Genome position (GRCh38, 1-based): chr15:23,646,479, G>C on the plus strand (C>G on the coding strand, the complement: MAGEL2 is on the minus strand). VCF-style: chr15-23646479-G-C. GRCh37 (hg19) VCF-style: chr15-23891626-G-C.
Other names: short protein forms P422A.
Identifiers: ClinVar variation 4996494 (VCV004996494.1).
Genomic context (GRCh38, chr15:23,646,479, plus strand): 5'-GTGGGGCCTGGCGGATCAGCGGTGGGGCCTGTCGCACCGGTGGTGGGCCAGGGCGGATGG[G>C]TGGTGGGCCAGGGCGGATGGGCGGGGGCCCCTGGCGCATGGGCGGCGGCACCTGCCAGGT-3'
Protein context (NP_061939.3, residues 412-432): GPPPIRPGPP[Pro422Ala]IRPGPPPVRQ